The following is an entry in ClinVar:

ClinVar aggregate classification (germline): Uncertain significance (1 of 4 stars; one submission).

Conditions:
Mendelian susceptibility to mycobacterial diseases due to complete IL12RB1 deficiency. Also called: IL12RB1 DEFICIENCY; Immunodeficiency 30. Identifiers: Orphanet 319552, MedGen C4013949, MONDO:0013955, OMIM 614891.

Allele frequency attached by ClinVar (database versions not stated): ExAC 0.00002; gnomAD exomes 0.00001 and 0.00002.
gnomAD v4.1: 19 of 1,611,912 alleles (0.0012%); highest among the groups gnomAD compares: Non-Finnish European, 0.0014%; no homozygotes.

Submission:

Labcorp Genetics (formerly Invitae), Labcorp
Classification: Uncertain significance for Mendelian susceptibility to mycobacterial diseases due to complete IL12RB1 deficiency. Last evaluated: 2021-08-27. Review status: criteria provided, single submitter. Criteria: Invitae Variant Classification Sherloc (09022015). Collection method: clinical testing. Allele origin: germline.
Comment: This sequence change replaces arginine with glutamine at codon 175 of the IL12RB1 protein (p.Arg175Gln). The arginine residue is highly conserved and there is a small physicochemical difference between arginine and glutamine. This variant is present in population databases (rs781095220, ExAC 0.007%). This variant has not been reported in the literature in individuals affected with IL12RB1-related conditions. Algorithms developed to predict the effect of missense changes on protein structure and function are either unavailable or do not agree on the potential impact of this missense change (SIFT: "Deleterious"; PolyPhen-2: "Benign"; Align-GVGD: "Class C35"). In summary, the available evidence is currently insufficient to determine the role of this variant in disease. Therefore, it has been classified as a Variant of Uncertain Significance.

NM_005535.3(IL12RB1):c.524G>A (p.Arg175Gln)

Gene: IL12RB1 (interleukin 12 receptor subunit beta 1; minus strand). Cytogenetic location: 19p13.11.
Variant type: single nucleotide variant.
Coding change: c.524G>A on transcript NM_005535.3 (MANE Select); coding-DNA position 524, G replaced by A.
Protein change: p.Arg175Gln; replaces arginine 175 with glutamine.
Molecular consequence: missense variant.
Genome position (GRCh38, 1-based): chr19:18,077,541, C>T on the plus strand (G>A on the coding strand, the complement: IL12RB1 is on the minus strand). VCF-style: chr19-18077541-C-T. GRCh37 (hg19) VCF-style: chr19-18188351-C-T.
Other names: c.524G>A, p.Arg175Gln (NM_001290023.2, NM_153701.3); c.644G>A, p.Arg215Gln (NM_001290024.2); short protein forms R215Q, R175Q.
Identifiers: ClinVar variation 1037689 (VCV001037689.6), dbSNP rs781095220, ClinGen allele CA9305190.